The following is an entry in ClinVar:

NM_207122.2(EXT2):c.605C>T (p.Ala202Val)

Gene: EXT2 (exostosin glycosyltransferase 2; plus strand). Cytogenetic location: 11p11.2.
Variant type: single nucleotide variant.
Coding change: c.605C>T on transcript NM_207122.2 (MANE Select); coding-DNA position 605, C replaced by T.
Protein change: p.Ala202Val; replaces alanine 202 with valine.
Molecular consequence: missense variant.
Genome position (GRCh38, 1-based): chr11:44,109,262, C>T. VCF-style: chr11-44109262-C-T. GRCh37 (hg19) VCF-style: chr11-44130812-C-T.
Other names: c.704C>T, p.Ala235Val (NM_000401.3); c.605C>T, p.Ala202Val (NM_001178083.3, NM_001389628.1, NM_001389630.1); short protein forms A235V, A202V.
Identifiers: ClinVar variation 879931 (VCV000879931.12), dbSNP rs771803942, ClinGen allele CA5954942.
Genomic context (GRCh38, chr11:44,109,262, plus strand): 5'-GAGGTACGAATCACCTGTTGTTCAACATGTTGCCTGGAGGTCCCCCAGATTATAACACAG[C>T]CCTGGATGTCCCCAGAGACAGGTAGGAGGCATATTTGGGGCTGTCCTTATGATGGGTTCA-3'
Protein context (NP_997005.1, residues 192-212): LPGGPPDYNT[Ala202Val]LDVPRDRALL

ClinVar aggregate classification (germline): Conflicting classifications of pathogenicity. Review status: criteria provided, conflicting classifications (1 of 4 stars). 3 submissions from 3 submitters: Uncertain significance (1); Benign (2). Last evaluated 2024-12-02.

Conditions:
Exostoses, multiple, type 2 (EXT2). Also called: Hereditary Multiple Osteochondromatosis, Type II; EXOSTOSES, MULTIPLE, TYPE II. Identifiers: Orphanet 321, MedGen C1851413, MONDO:0007586, OMIM 133701.

Allele frequency attached by ClinVar (database versions not stated): gnomAD exomes 0.00004 and 0.00007; TOPMed 0.00006; ExAC 0.00008.
gnomAD v4.1: 63 of 1,614,102 alleles (0.0039%); highest among the groups gnomAD compares: East Asian, 0.14%; no homozygotes.

Submissions (3):

Labcorp Genetics (formerly Invitae), Labcorp
Classification: Benign for Exostoses, multiple, type 2. Last evaluated: 2024-12-02. Review status: criteria provided, single submitter. Criteria: Invitae Variant Classification Sherloc (09022015). Collection method: clinical testing. Allele origin: germline.

GeneDx
Classification: Uncertain significance. Last evaluated: 2023-04-17. Review status: criteria provided, single submitter. Criteria: GeneDx Variant Classification Process June 2021. Collection method: clinical testing. Allele origin: germline. Affected: yes.
Comment: In silico analysis supports that this missense variant does not alter protein structure/function; Identified in patients with multiple exostoses/osteochondromas (Seki et al., 2001; Ishimaru et al., 2016); This variant is associated with the following publications: (PMID: 11170095, 26961984, 32636136)

Illumina Laboratory Services, Illumina
Classification: Benign for Exostoses, multiple, type 2. Last evaluated: 2017-04-28. Review status: criteria provided, single submitter. Criteria: ICSL Variant Classification Criteria 13 December 2019. Collection method: clinical testing. Allele origin: germline.
Comment: This variant was observed as part of a predisposition screen in an ostensibly healthy population. A literature search was performed for the gene, cDNA change, and amino acid change (where applicable). No publications were found based on this search. Allele frequency data from public databases was too high to be consistent with this variant causing disease. Therefore, this variant is classified as benign.